The following is an entry in ClinVar:

NM_006755.2(TALDO1):c.138G>A (p.Pro46=)

Gene: TALDO1 (transaldolase 1; plus strand). Cytogenetic location: 11p15.5.
Variant type: single nucleotide variant.
Coding change: c.138G>A on transcript NM_006755.2 (MANE Select); coding-DNA position 138, G replaced by A.
Protein change: p.Pro46=; no amino-acid change (proline 46 retained).
Molecular consequence: synonymous variant.
Genome position (GRCh38, 1-based): chr11:755,919, G>A. VCF-style: chr11-755919-G-A. GRCh37 (hg19) VCF-style: chr11-755919-G-A.
Other names: c.138G>A (NM_006755.1).
Identifiers: ClinVar variation 1559180 (VCV001559180.11), dbSNP rs11550601, ClinGen allele CA5788022.

ClinVar aggregate classification (germline): Likely benign. Review status: criteria provided, multiple submitters, no conflicts (2 of 4 stars). 3 submissions from 3 submitters: Likely benign (2). 1 of the submissions does not count toward it. Last evaluated 2025-10-18.

Conditions:
TALDO1-related disorder. Also called: TALDO1-related condition.

Allele frequency attached by ClinVar (database versions not stated): gnomAD 0.00006 and 0.00007; gnomAD exomes 0.00009 and 0.00010; TOPMed 0.00010; ExAC 0.00011.
gnomAD v4.1: 142 of 1,614,132 alleles (0.0088%); highest among the groups gnomAD compares: South Asian, 0.023%; no homozygotes.

Submissions (3):

Labcorp Genetics (formerly Invitae), Labcorp
Classification: Likely benign. Last evaluated: 2025-10-18. Review status: criteria provided, single submitter. Criteria: Invitae Variant Classification Sherloc (09022015). Collection method: clinical testing. Allele origin: germline.

Blueprint Genetics
Classification: Likely benign. Last evaluated: 2024-10-24. Review status: criteria provided, single submitter. Criteria: ACMG Guidelines, 2015. Collection method: clinical testing. Allele origin: germline.

PreventionGenetics, part of Exact Sciences
Classification: Likely benign for TALDO1-related condition. Last evaluated: 2019-04-25. Review status: no assertion criteria provided. Collection method: clinical testing. Allele origin: germline. Not counted in ClinVar's aggregate classification.
Comment: This variant is classified as likely benign based on ACMG/AMP sequence variant interpretation guidelines (Richards et al. 2015 PMID: 25741868, with internal and published modifications).